The following is an entry in ClinVar:

ClinVar aggregate classification (germline): Pathogenic/Likely pathogenic. Review status: criteria provided, multiple submitters, no conflicts (2 of 4 stars). 6 submissions from 6 submitters: Pathogenic (4); Likely pathogenic (1). 1 of the submissions does not count toward it. Last evaluated 2025-02-11.

Conditions:
Metachromatic leukodystrophy (MLD). Also called: Cerebral sclerosis diffuse metachromatic form; SULFATIDE LIPIDOSIS; CEREBROSIDE SULFATASE DEFICIENCY; METACHROMATIC LEUKOENCEPHALOPATHY; Arylsulfatase A Deficiency; ARSA DEFICIENCY. Identifiers: Orphanet 512, MedGen C0023522, MONDO:0018868, OMIM 250100.

Submissions (6):

Natera, Inc.
Classification: Pathogenic for Metachromatic leukodystrophy. Last evaluated: 2025-02-11. Review status: criteria provided, single submitter. Criteria: Natera Variant Classification Schema (03/2026). Collection method: clinical testing. Allele origin: germline.
Comment: The c.1344dupC variant in ARSA is a frameshift variant predicted to elongate the protein beyond the termination codon. This variant is expected to result in nonsense mediated decay, truncation, or a dysfunctional protein product. This variant is rare in the general population with a frequency below the threshold expected for the associated phenotype(s). This variant has been observed in one or more individuals affected with the associated recessive disease, as either homozygous or compound heterozygous with a second variant (PMID: 27374302). Given the available evidence, this variant is classified as Pathogenic.

Fulgent Genetics
Classification: Pathogenic for Metachromatic leukodystrophy. Last evaluated: 2024-04-15. Review status: criteria provided, single submitter. Criteria: ACMG Guidelines, 2015. Collection method: clinical testing. Allele origin: germline.

Labcorp Genetics (formerly Invitae), Labcorp
Classification: Pathogenic for Metachromatic leukodystrophy. Last evaluated: 2024-01-08. Review status: criteria provided, single submitter. Criteria: Invitae Variant Classification Sherloc (09022015). Collection method: clinical testing. Allele origin: germline.
Comment: This sequence change results in a frameshift in the ARSA gene (p.Gly449Argfs*124). While this is not anticipated to result in nonsense mediated decay, it is expected to disrupt the last 61 amino acid(s) of the ARSA protein and extend the protein by 62 additional amino acid residues. This variant is present in population databases (rs761555167, gnomAD 0.03%). This frameshift has been observed in individual(s) with metachromatic leukodystrophy (PMID: 17560502, 27374302). In at least one individual the data is consistent with being in trans (on the opposite chromosome) from a pathogenic variant. It has also been observed to segregate with disease in related individuals. This variant is also known as c.1338dupC. ClinVar contains an entry for this variant (Variation ID: 557962). This variant results in an extension of the ARSA protein. Other variant(s) that result in a similarly extended protein product (p.Arg498Profs*7) have been determined to be pathogenic (PMID: 19021637, 26462614). This suggests that these extensions are likely to be disease-causing. For these reasons, this variant has been classified as Pathogenic.

Women's Health and Genetics/Laboratory Corporation of America, LabCorp
Classification: Pathogenic for Metachromatic leukodystrophy. Last evaluated: 2020-01-31. Review status: criteria provided, single submitter. Criteria: LabCorp Variant Classification Summary - May 2015. Collection method: clinical testing. Allele origin: germline.
Comment: Variant summary: ARSA c.1344dupC (p.Gly449ArgfsX124) causes a frameshift which results in an extension of the protein. The variant allele was found at a frequency of 2e-05 in 249430 control chromosomes. c.1344dupC has been reported in the literature in individuals affected with Metachromatic Leukodystrophy (example, Wang_2007, Liaw_2015, Wang_2016, Li_2018). These data indicate that the variant is likely to be associated with disease. To our knowledge, no experimental evidence demonstrating an impact on protein function has been reported. One clinical diagnostic laboratory has submitted clinical-significance assessments for this variant to ClinVar after 2014 without evidence for independent evaluation and classified the variant as likely pathogenic. Based on the evidence outlined above, the variant was classified as pathogenic.

Juno Genomics, Hangzhou Juno Genomics, Inc
Classification: Likely pathogenic for Metachromatic leukodystrophy. Review status: criteria provided, single submitter. Criteria: ACMG Guidelines, 2015. Collection method: clinical testing. Allele origin: germline.
Comment: Absent from controls (or at extremely low frequency if recessive) in Genome Aggregation Database.;Null variant in a gene where loss of function (LOF) is a known mechanism of disease.;For recessive disorders, detected in trans with a pathogenic variant.;Co-segregation with disease in multiple affected family members.

Counsyl
Classification: Likely pathogenic for Metachromatic leukodystrophy. Last evaluated: 2018-04-18. Review status: no assertion criteria provided. Collection method: clinical testing. Allele origin: unknown. Not counted in ClinVar's aggregate classification.

Literature cited by the submitters: PubMed 27374302 (cited by 4 submitters); PubMed 17560502 (cited by 3 submitters); PubMed 19021637 (cited by Labcorp Genetics (formerly Invitae), Labcorp); PubMed 26462614 (cited by Labcorp Genetics (formerly Invitae), Labcorp and Women's Health and Genetics/Laboratory Corporation of America, LabCorp); PubMed 26553228 (cited by Women's Health and Genetics/Laboratory Corporation of America, LabCorp and Counsyl); PubMed 29966168 (cited by Women's Health and Genetics/Laboratory Corporation of America, LabCorp).

NM_000487.6(ARSA):c.1344dup (p.Gly449fs)

Gene: ARSA (arylsulfatase A; minus strand). Cytogenetic location: 22q13.33.
Variant type: Duplication.
Coding change: c.1344dup on transcript NM_000487.6 (MANE Select); coding-DNA position 1344, one base duplicated (C; older notation c.1344dupC).
Protein change: p.Gly449fs; shifts the reading frame from glycine 449.
Molecular consequence: frameshift variant.
Genome position (GRCh38, 1-based): chr22:50,625,331, G duplicated on the plus strand (C on the coding strand, the reverse complement: ARSA is on the minus strand); the first of 2 consecutive G bases (chr22:50,625,331-50,625,332); duplicating either gives the same sequence. VCF-style (leftmost placement, unchanged base first): chr22-50625330-C-CG. GRCh37 (hg19) VCF-style: chr22-51063758-C-CG.
Other names: c.1344dup, p.Gly449fs (NM_001085425.3, NM_001085426.3, NM_001085427.3); c.1086dup, p.Gly363fs (NM_001085428.3, NM_001362782.2); c.1344dupC (NM_000487.5); short protein forms G363fs, G449fs.
Identifiers: ClinVar variation 557962 (VCV000557962.12), dbSNP rs761555167, ClinGen allele CA10324741.